The following is an entry in ClinVar:

NM_020549.5(CHAT):c.532A>T (p.Thr178Ser)

Gene: CHAT (choline O-acetyltransferase; plus strand). Cytogenetic location: 10q11.23.
Variant type: single nucleotide variant.
Coding change: c.532A>T on transcript NM_020549.5 (MANE Select); coding-DNA position 532, A replaced by T.
Protein change: p.Thr178Ser; replaces threonine 178 with serine.
Molecular consequence: missense variant.
Genome position (GRCh38, 1-based): chr10:49,619,869, A>T. VCF-style: chr10-49619869-A-T. GRCh37 (hg19) VCF-style: chr10-50827915-A-T.
Other names: c.178A>T, p.Thr60Ser (NM_001142929.2, NM_001142934.2, NM_020984.4 and 2 more transcripts); c.286A>T, p.Thr96Ser (NM_001142933.2); short protein forms T178S, T96S, T60S.
Identifiers: ClinVar variation 1035329 (VCV001035329.6), dbSNP rs757480104, ClinGen allele CA5497168.

ClinVar aggregate classification (germline): Uncertain significance (1 of 4 stars; one submission).

Conditions:
Familial infantile myasthenia (CMS6). Also called: MYASTHENIC SYNDROME, CONGENITAL, 6, PRESYNAPTIC; MYASTHENIC SYNDROME, PRESYNAPTIC, CONGENITAL, ASSOCIATED WITH EPISODIC APNEA; Congenital myasthenic syndrome type 6. Identifiers: Orphanet 590, MedGen C0393929, MONDO:0009689, OMIM 254210.

Allele frequency attached by ClinVar (database versions not stated): gnomAD exomes 0.00001; ExAC 0.00003; TOPMed 0.00004.
gnomAD v4.1: 3 of 1,613,314 alleles (0.00019%); highest among the groups gnomAD compares: Admixed American, 0.005%; no homozygotes.

Submission:

Labcorp Genetics (formerly Invitae), Labcorp
Classification: Uncertain significance for Familial infantile myasthenia. Last evaluated: 2021-09-01. Review status: criteria provided, single submitter. Criteria: Invitae Variant Classification Sherloc (09022015). Collection method: clinical testing. Allele origin: germline.
Comment: This sequence change replaces threonine with serine at codon 178 of the CHAT protein (p.Thr178Ser). The threonine residue is moderately conserved and there is a small physicochemical difference between threonine and serine. This variant is present in population databases (rs757480104, ExAC 0.03%). This variant has not been reported in the literature in individuals affected with CHAT-related conditions. Algorithms developed to predict the effect of missense changes on protein structure and function output the following: SIFT: "Tolerated"; PolyPhen-2: "Benign"; Align-GVGD: "Class C0". The serine amino acid residue is found in multiple mammalian species, which suggests that this missense change does not adversely affect protein function. In summary, the available evidence is currently insufficient to determine the role of this variant in disease. Therefore, it has been classified as a Variant of Uncertain Significance.